The following is an entry in ClinVar:

ClinVar aggregate classification (germline): Uncertain significance (1 of 4 stars; one submission).

Conditions:
Neurofibromatosis, type 1 (NF1). Also called: VON RECKLINGHAUSEN DISEASE; Neurofibromatosis, type I; Peripheral type neurofibromatosis; NEUROFIBROMATOSIS, TYPE I, SOMATIC. Identifiers: Orphanet 636, MedGen C0027831, MONDO:0018975, OMIM 162200. Disease mechanism: loss of function.

Submission:

Labcorp Genetics (formerly Invitae), Labcorp
Classification: Uncertain significance for Neurofibromatosis, type 1. Last evaluated: 2023-09-17. Review status: criteria provided, single submitter. Criteria: Invitae Variant Classification Sherloc (09022015). Collection method: clinical testing. Allele origin: unknown.
Comment: This variant results in a copy number gain of the genomic region encompassing exon(s) 39-57 of the NF1 gene. This region includes the termination codon of the gene. This copy number gain extends beyond the assayed region for this gene and therefore may encompass additional genes. As the precise location of this event is unknown, it may be in tandem or it may be located elsewhere in the genome. This variant has not been reported in the literature in individuals affected with NF1-related conditions. In summary, the available evidence is currently insufficient to determine the role of this variant in disease. Therefore, it has been classified as a Variant of Uncertain Significance.

NC_000017.10:g.(?_29661577)_(29701173_?)dup

Gene: NF1 (neurofibromin 1; plus strand). Cytogenetic location: 17q11.2.
Variant type: Duplication.
Identifiers: ClinVar variation 3242896 (VCV003242896.1).